The following is an entry in ClinVar:

ClinVar aggregate classification (germline): Uncertain significance. Review status: criteria provided, multiple submitters, no conflicts (2 of 4 stars). 3 submissions from 3 submitters: Uncertain significance (3). Last evaluated 2024-02-02.

Conditions:
Inborn genetic diseases. Identifiers: MedGen C0950123, MeSH D030342.
Spastic paraplegia. Identifiers: MedGen C0037772, HP:0001258.

Submissions (3):

Ambry Genetics
Classification: Uncertain significance for Inborn genetic diseases. Last evaluated: 2024-02-02. Review status: criteria provided, single submitter. Criteria: Ambry Variant Classification Scheme 2023. Collection method: clinical testing. Allele origin: germline.

Labcorp Genetics (formerly Invitae), Labcorp
Classification: Uncertain significance for Spastic paraplegia. Last evaluated: 2022-07-19. Review status: criteria provided, single submitter. Criteria: Invitae Variant Classification Sherloc (09022015). Collection method: clinical testing. Allele origin: germline.
Comment: This sequence change replaces leucine, which is neutral and non-polar, with arginine, which is basic and polar, at codon 232 of the ZFYVE26 protein (p.Leu232Arg). This variant is present in population databases (rs201426420, gnomAD 0.01%). This variant has not been reported in the literature in individuals affected with ZFYVE26-related conditions. Algorithms developed to predict the effect of missense changes on protein structure and function (SIFT, PolyPhen-2, Align-GVGD) all suggest that this variant is likely to be tolerated. In summary, the available evidence is currently insufficient to determine the role of this variant in disease. Therefore, it has been classified as a Variant of Uncertain Significance.

Breakthrough Genomics
Classification: Uncertain significance. Review status: criteria provided, single submitter. Criteria: ACMG Guidelines, 2015. Collection method: not provided. Allele origin: germline. Inheritance: Autosomal recessive inheritance. Affected: yes.

NM_015346.4(ZFYVE26):c.695T>G (p.Leu232Arg)

Gene: ZFYVE26 (zinc finger FYVE-type containing 26; minus strand). Cytogenetic location: 14q24.1.
Variant type: single nucleotide variant.
Coding change: c.695T>G on transcript NM_015346.4 (MANE Select); coding-DNA position 695, T replaced by G.
Protein change: p.Leu232Arg; replaces leucine 232 with arginine.
Molecular consequence: missense variant.
Genome position (GRCh38, 1-based): chr14:67,807,589, A>C on the plus strand (T>G on the coding strand, the complement: ZFYVE26 is on the minus strand). VCF-style: chr14-67807589-A-C. GRCh37 (hg19) VCF-style: chr14-68274306-A-C.
Other names: c.695T>G (NM_015346.3); short protein forms L232R.
Identifiers: ClinVar variation 2201519 (VCV002201519.3), dbSNP rs201426420, ClinGen allele CA7240728.